The following is an entry in ClinVar:

NM_152703.5(SAMD9L):c.241G>A (p.Glu81Lys)

Gene: SAMD9L (sterile alpha motif domain containing 9 like; minus strand). Cytogenetic location: 7q21.2.
Variant type: single nucleotide variant.
Coding change: c.241G>A on transcript NM_152703.5 (MANE Select); coding-DNA position 241, G replaced by A.
Protein change: p.Glu81Lys; replaces glutamic acid 81 with lysine.
Molecular consequence: missense variant.
Genome position (GRCh38, 1-based): chr7:93,135,731, C>T on the plus strand (G>A on the coding strand, the complement: SAMD9L is on the minus strand). VCF-style: chr7-93135731-C-T. GRCh37 (hg19) VCF-style: chr7-92765044-C-T.
Other names: c.241G>A, p.Glu81Lys (NM_001303496.3, NM_001303497.3, NM_001303498.3 and 5 more transcripts); short protein forms E81K.
Identifiers: ClinVar variation 4863925 (VCV004863925.1).

ClinVar aggregate classification (germline): Uncertain significance (1 of 4 stars; one submission).

Conditions:
Inborn genetic diseases. Identifiers: MedGen C0950123, MeSH D030342.

Submission:

Ambry Genetics
Classification: Uncertain significance for Inborn genetic diseases. Last evaluated: 2026-04-02. Review status: criteria provided, single submitter. Criteria: Ambry Variant Classification Scheme 2023. Collection method: clinical testing. Allele origin: germline.
Comment: The p.E81K variant (also known as c.241G>A), located in coding exon 1 of the SAMD9L gene, results from a G to A substitution at nucleotide position 241. The glutamic acid at codon 81 is replaced by lysine, an amino acid with similar properties. This amino acid position is conserved. In addition, this alteration is predicted to be tolerated by in silico analysis. Based on the available evidence, the clinical significance of this variant remains unclear.